The following is an entry in ClinVar:

NM_003000.3(SDHB):c.329C>T (p.Thr110Ile)

Gene: SDHB (succinate dehydrogenase complex iron sulfur subunit B; minus strand). Cytogenetic location: 1p36.13.
Variant type: single nucleotide variant.
Coding change: c.329C>T on transcript NM_003000.3 (MANE Select); coding-DNA position 329, C replaced by T.
Protein change: p.Thr110Ile; replaces threonine 110 with isoleucine.
Molecular consequence: missense variant.
Genome position (GRCh38, 1-based): chr1:17,028,694, G>A on the plus strand (C>T on the coding strand, the complement: SDHB is on the minus strand). VCF-style: chr1-17028694-G-A. GRCh37 (hg19) VCF-style: chr1-17355189-G-A.
Other names: c.329C>T, p.Thr110Ile (NM_001407361.1); short protein forms T110I.
Identifiers: ClinVar variation 1729926 (VCV001729926.4), dbSNP rs2525020707, ClinGen allele CA338274850.
Genomic context (GRCh38, chr1:17,028,694, plus strand): 5'-AGAGGGTAGATTTTTGAGACCTTATTGAGGTTGGTGTCAATCCTTCGGGTGCAAGCTAGA[G>A]TGTTGCCTCCATTGATGTTCATTGCACAAGAGCCACAGATGCCTGAAAGAGACACACATT-3'
Protein context (NP_002991.2, residues 100-120): SCAMNINGGN[Thr110Ile]LACTRRIDTN

ClinVar aggregate classification (germline): Uncertain significance (1 of 4 stars; one submission).

Conditions:
Hereditary cancer-predisposing syndrome. Also called: Hereditary Cancer Syndrome; Hereditary neoplastic syndrome; Neoplastic Syndromes, Hereditary; Tumor predisposition. Identifiers: Orphanet 140162, MedGen C0027672, MeSH D009386, MONDO:0015356.

gnomAD v4.1: 1 of 1,614,148 alleles (0.000062%); no homozygotes.

Submission:

Ambry Genetics
Classification: Uncertain significance for Hereditary cancer-predisposing syndrome. Last evaluated: 2026-07-23. Review status: criteria provided, single submitter. Criteria: Ambry Variant Classification Scheme 2023. Collection method: clinical testing. Allele origin: germline.
Comment: The p.T110I variant (also known as c.329C>T), located in coding exon 4 of the SDHB gene, results from a C to T substitution at nucleotide position 329. The threonine at codon 110 is replaced by isoleucine, an amino acid with similar properties. This amino acid position is highly conserved in available vertebrate species. In addition, this alteration is predicted to be deleterious by in silico analysis. Based on the available evidence, the clinical significance of this variant remains unclear.